The following is an entry in ClinVar:

ClinVar aggregate classification (germline): Conflicting classifications of pathogenicity. Review status: criteria provided, conflicting classifications (1 of 4 stars). 2 submissions from 2 submitters: Uncertain significance (1); Likely benign (1). Last evaluated 2025-10-29.

Conditions:
Inborn genetic diseases. Identifiers: MedGen C0950123, MeSH D030342.

gnomAD v4.1: 18 of 1,614,020 alleles (0.0011%); highest among the groups gnomAD compares: East Asian, 0.038%; no homozygotes.

Submissions (2):

Labcorp Genetics (formerly Invitae), Labcorp
Classification: Uncertain significance. Last evaluated: 2025-10-29. Review status: criteria provided, single submitter. Criteria: Invitae Variant Classification Sherloc (09022015). Collection method: clinical testing. Allele origin: germline.
Comment: This sequence change replaces aspartic acid, which is acidic and polar, with glycine, which is neutral and non-polar, at codon 139 of the DDX41 protein (p.Asp139Gly). This variant is present in population databases (rs770263914, gnomAD 0.06%). This missense change has been observed in individual(s) with clinical features of DDX41-related conditions (PMID: 33626862). ClinVar contains an entry for this variant (Variation ID: 3628894). An algorithm developed to predict the effect of missense changes on protein structure and function (PolyPhen-2) suggests that this variant is likely to be tolerated. In summary, the available evidence is currently insufficient to determine the role of this variant in disease. Therefore, it has been classified as a Variant of Uncertain Significance.

Ambry Genetics
Classification: Likely benign for Inborn genetic diseases. Last evaluated: 2025-02-12. Review status: criteria provided, single submitter. Criteria: Ambry Variant Classification Scheme 2023. Collection method: clinical testing. Allele origin: germline.

Literature cited by the submitters: PubMed 33626862 (cited by Labcorp Genetics (formerly Invitae), Labcorp).

NM_016222.4(DDX41):c.416A>G (p.Asp139Gly)

Gene: DDX41 (DEAD-box helicase 41; minus strand). Cytogenetic location: 5q35.3.
Variant type: single nucleotide variant.
Coding change: c.416A>G on transcript NM_016222.4 (MANE Select); coding-DNA position 416, A replaced by G.
Protein change: p.Asp139Gly; replaces aspartic acid 139 with glycine.
Molecular consequence: missense variant.
Genome position (GRCh38, 1-based): chr5:177,515,947, T>C on the plus strand (A>G on the coding strand, the complement: DDX41 is on the minus strand). VCF-style: chr5-177515947-T-C. GRCh37 (hg19) VCF-style: chr5-176942948-T-C.
Other names: c.38A>G, p.Asp13Gly (NM_001321732.2, NM_001321830.2); c.416A>G (NM_016222.2); short protein forms D139G, D13G.
Identifiers: ClinVar variation 3628894 (VCV003628894.3).